The following is an entry in ClinVar:

ClinVar aggregate classification (germline): Conflicting classifications of pathogenicity. Review status: criteria provided, conflicting classifications (1 of 4 stars). 2 submissions from 2 submitters: Uncertain significance (1); Likely benign (1). Last evaluated 2023-01-26.

Conditions:
Cardiovascular phenotype. Identifiers: MedGen CN230736.
Myofibrillar myopathy 4. Also called: Zaspopathy (type). Identifiers: Orphanet 98912, MedGen C4721886, MONDO:0012277, OMIM 609452.

Allele frequency attached by ClinVar (database versions not stated): gnomAD exomes below 0.00001.
gnomAD v4.1: 2 of 1,607,578 alleles (0.00012%); highest among the groups gnomAD compares: Non-Finnish European, 0.00017%; no homozygotes.

Submissions (2):

Labcorp Genetics (formerly Invitae), Labcorp
Classification: Uncertain significance for Myofibrillar myopathy 4. Last evaluated: 2023-01-26. Review status: criteria provided, single submitter. Criteria: Invitae Variant Classification Sherloc (09022015). Collection method: clinical testing. Allele origin: germline.
Comment: This variant has not been reported in the literature in individuals affected with LDB3-related conditions. This variant is not present in population databases (gnomAD no frequency). This sequence change affects codon 557 of the LDB3 mRNA. It is a 'silent' change, meaning that it does not change the encoded amino acid sequence of the LDB3 protein. The LDB3 gene has multiple clinically relevant transcripts. This variant occurs in alternate transcript NM_007078.3, and corresponds to NM_001080116.1:c.*17392C>T in the primary transcript. Experimental studies and prediction algorithms are not available or were not evaluated, and the effect of this variant on mRNA splicing is currently unknown. In summary, the available evidence is currently insufficient to determine the role of this variant in disease. Therefore, it has been classified as a Variant of Uncertain Significance.

Ambry Genetics
Classification: Likely benign for Cardiovascular phenotype. Last evaluated: 2021-07-02. Review status: criteria provided, single submitter. Criteria: Ambry Variant Classification Scheme 2023. Collection method: clinical testing. Allele origin: germline.

NM_007078.3(LDB3):c.1671C>T (p.Val557=)

Gene: LDB3 (LIM domain binding 3; plus strand). Cytogenetic location: 10q23.2.
Variant type: single nucleotide variant.
Coding change: c.1671C>T on transcript NM_007078.3 (MANE Select); coding-DNA position 1671, C replaced by T.
Protein change: p.Val557=; no amino-acid change (valine 557 retained).
Molecular consequence: synonymous variant.
Genome position (GRCh38, 1-based): chr10:86,716,766, C>T. VCF-style: chr10-86716766-C-T. GRCh37 (hg19) VCF-style: chr10-88476523-C-T.
Other names: c.1341C>T, p.Val447= (NM_001080114.2); c.1686C>T, p.Val562= (NM_001171610.2); c.1482C>T, p.Val494= (NM_001368064.1, NM_001368065.1); c.1530C>T, p.Val510= (NM_001368066.1).
Identifiers: ClinVar variation 1777700 (VCV001777700.5), dbSNP rs2492811004, ClinGen allele CA470308446.